The following is an entry in ClinVar:

NM_017617.5(NOTCH1):c.2501C>G (p.Ala834Gly)

Gene: NOTCH1 (notch receptor 1; minus strand). Cytogenetic location: 9q34.3.
Variant type: single nucleotide variant.
Coding change: c.2501C>G on transcript NM_017617.5 (MANE Select); coding-DNA position 2501, C replaced by G.
Protein change: p.Ala834Gly; replaces alanine 834 with glycine.
Molecular consequence: missense variant.
Genome position (GRCh38, 1-based): chr9:136,511,238, G>C on the plus strand (C>G on the coding strand, the complement: NOTCH1 is on the minus strand). VCF-style: chr9-136511238-G-C. GRCh37 (hg19) VCF-style: chr9-139405690-G-C.
Other names: c.2501C>G, p.Ala834Gly (LRG_1122t1); short protein forms A834G.
Identifiers: ClinVar variation 373248 (VCV000373248.15), dbSNP rs202144877, ClinGen allele CA16042770.

ClinVar aggregate classification (germline): Uncertain significance. Review status: criteria provided, multiple submitters, no conflicts (2 of 4 stars). 5 submissions from 4 submitters: Uncertain significance (5). Last evaluated 2025-05-15.

Conditions:
Adams-Oliver syndrome 5 (AOS5). Identifiers: Orphanet 974, MedGen C4014970, MONDO:0014459, OMIM 616028.
Familial thoracic aortic aneurysm and aortic dissection (TAAD). Also called: Thoracic aortic aneurysms and dissections. Identifiers: Orphanet 91387, MedGen C4707243, MONDO:0019625.
Aortic valve disease 1 (AOVD1). Identifiers: MedGen C3887892, MONDO:0024523, OMIM 109730.

gnomAD v4.1: 20 of 1,612,536 alleles (0.0012%); highest among the groups gnomAD compares: Non-Finnish European, 0.0017%; no homozygotes.

Submissions (5):

Ambry Genetics
Classification: Uncertain significance for Familial thoracic aortic aneurysm and aortic dissection. Last evaluated: 2025-05-15. Review status: criteria provided, single submitter. Criteria: Ambry Variant Classification Scheme 2023. Collection method: clinical testing. Allele origin: germline.
Comment: The p.A834G variant (also known as c.2501C>G), located in coding exon 16 of the NOTCH1 gene, results from a C to G substitution at nucleotide position 2501. The alanine at codon 834 is replaced by glycine, an amino acid with similar properties. This amino acid position is conserved. In addition, this alteration is predicted to be tolerated by in silico analysis. Since supporting evidence is limited at this time, the clinical significance of this alteration remains unclear.

Labcorp Genetics (formerly Invitae), Labcorp
Classification: Uncertain significance for Adams-Oliver syndrome 5. Last evaluated: 2025-04-07. Review status: criteria provided, single submitter. Criteria: Invitae Variant Classification Sherloc (09022015). Collection method: clinical testing. Allele origin: germline.
Comment: This sequence change replaces alanine, which is neutral and non-polar, with glycine, which is neutral and non-polar, at codon 834 of the NOTCH1 protein (p.Ala834Gly). This variant is present in population databases (no rsID available, gnomAD 0.0009%). This variant has not been reported in the literature in individuals affected with NOTCH1-related conditions. ClinVar contains an entry for this variant (Variation ID: 373248). Invitae Evidence Modeling of protein sequence and biophysical properties (such as structural, functional, and spatial information, amino acid conservation, physicochemical variation, residue mobility, and thermodynamic stability) indicates that this missense variant is not expected to disrupt NOTCH1 protein function with a negative predictive value of 80%. In summary, the available evidence is currently insufficient to determine the role of this variant in disease. Therefore, it has been classified as a Variant of Uncertain Significance.

Genome-Nilou Lab
Classification: Uncertain significance for Adams-Oliver syndrome 5. Last evaluated: 2022-03-15. Review status: criteria provided, single submitter. Criteria: ACMG Guidelines, 2015. Collection method: clinical testing. Allele origin: germline. Affected: no.

Genome-Nilou Lab
Classification: Uncertain significance for Aortic valve disease 1. Last evaluated: 2022-03-15. Review status: criteria provided, single submitter. Criteria: ACMG Guidelines, 2015. Collection method: clinical testing. Allele origin: germline. Affected: no.

GeneDx
Classification: Uncertain significance. Last evaluated: 2016-11-21. Review status: criteria provided, single submitter. Criteria: GeneDx Variant Classification (06012015). Collection method: clinical testing. Allele origin: germline. Affected: yes.
Comment: A variant of uncertain significance has been identified in the NOTCH1 gene. The A834G variant has not been published as a pathogenic variant, nor has it been reported as a benign variant to our knowledge. This variant was not observed in approximately 6,300 individuals of European and African American ancestry in the NHLBI Exome Sequencing Project, indicating it is not a common benign variant in these populations. However, the A834G variant is a conservative amino acid substitution, which is not likely to impact secondary protein structure as these residues share similar properties. Although this substitution occurs at a position that is conserved in mammals, Glycine is the wild-type amino acid at this position in at least one species. Furthermore, in silico analysis is inconsistent in its predictions as to whether or not the variant is damaging to the protein structure/function.Therefore, based on the currently available information, it is unclear whether this variant is pathogenic or benign.